The following is an entry in ClinVar:

ClinVar aggregate classification (germline): Conflicting classifications of pathogenicity. Review status: criteria provided, conflicting classifications (1 of 4 stars). 12 submissions from 11 submitters: Uncertain significance (5); Benign (1); Likely benign (4). 2 of the submissions do not count toward it. Last evaluated 2026-01-15.

Conditions:
SPTBN2-related disorder. Also called: SPTBN2-related condition.
Autosomal recessive spinocerebellar ataxia 14. Also called: CEREBELLAR ATAXIA, AUTOSOMAL RECESSIVE, SPECTRIN-ASSOCIATED, 1. Identifiers: Orphanet 352403, MedGen C4706415, MONDO:0014159, OMIM 615386.
Spinocerebellar ataxia type 5 (SCA5). Identifiers: Orphanet 98766, MedGen C0752123, MONDO:0010848, OMIM 600224.

Allele frequency attached by ClinVar (database versions not stated): ExAC 0.00064; TOPMed 0.00065; gnomAD exomes 0.00068 and 0.00127; 1000 Genomes Project 30x 0.00078; 1000 Genomes Project 0.00080; gnomAD 0.00080 and 0.00081; ESP Exome Variant Server 0.00131.
gnomAD v4.1: 1,973 of 1,614,198 alleles (0.12%); highest among the groups gnomAD compares: Non-Finnish European, 0.16%; 3 homozygotes.

Submissions (13):

Labcorp Genetics (formerly Invitae), Labcorp
Classification: Likely benign. Last evaluated: 2026-01-15. Review status: criteria provided, single submitter. Criteria: Invitae Variant Classification Sherloc (09022015). Collection method: clinical testing. Allele origin: germline.

Blueprint Genetics
Classification: Uncertain significance. Last evaluated: 2024-10-15. Review status: criteria provided, single submitter. Criteria: ACMG Guidelines, 2015. Collection method: clinical testing. Allele origin: germline.

GeneDx
Classification: Uncertain significance. Last evaluated: 2024-09-28. Review status: criteria provided, single submitter. Criteria: GeneDx Variant Classification Process June 2021. Collection method: clinical testing. Allele origin: germline. Affected: yes.
Comment: In silico analysis indicates that this variant does not alter splicing; Has not been previously published as pathogenic or benign to our knowledge

CeGaT Center for Human Genetics Tuebingen
Classification: Likely benign. Last evaluated: 2024-06-01. Review status: criteria provided, single submitter. Criteria: CeGaT Center For Human Genetics Tuebingen Variant Classification Criteria Version 2. Collection method: clinical testing. Allele origin: germline. Affected: yes. Observed: 2 variant alleles.
Comment: SPTBN2: BP4

Institute of Human Genetics, University of Leipzig Medical Center
Classification: Uncertain significance for Spinocerebellar ataxia type 5. Last evaluated: 2019-01-01. Review status: criteria provided, single submitter. Criteria: ACMG Guidelines, 2015. Collection method: clinical testing. Allele origin: unknown. Affected: no.

Athena Diagnostics
Classification: Benign. Last evaluated: 2018-02-26. Review status: criteria provided, single submitter. Criteria: Athena Diagnostics Criteria. Collection method: clinical testing. Allele origin: germline.

Illumina Laboratory Services, Illumina
Classification: Likely benign for Spinocerebellar ataxia type 5. Last evaluated: 2018-01-12. Review status: criteria provided, single submitter. Criteria: ICSL Variant Classification Criteria 13 December 2019. Collection method: clinical testing. Allele origin: germline.
Comment: This variant was observed in the ICSL laboratory as part of a predisposition screen in an ostensibly healthy population. It had not been previously curated by ICSL or reported in the Human Gene Mutation Database (HGMD: prior to June 1st, 2018), and was therefore a candidate for classification through an automated scoring system. Utilizing variant allele frequency, disease prevalence and penetrance estimates, and inheritance mode, an automated score was calculated to assess if this variant is too frequent to cause the disease. Based on the score and internal cut-off values, a variant classified as likely benign is not then subjected to further curation. The score for this variant resulted in a classification of likely benign for this disease.

Illumina Laboratory Services, Illumina
Classification: Uncertain significance for Autosomal recessive spinocerebellar ataxia 14. Last evaluated: 2018-01-12. Review status: criteria provided, single submitter. Criteria: ICSL Variant Classification Criteria 13 December 2019. Collection method: clinical testing. Allele origin: germline.

Clinical Genetics DNA and cytogenetics Diagnostics Lab, Erasmus MC, Erasmus Medical Center
Classification: Likely benign for Spinocerebellar ataxia type 5. Last evaluated: 2016-06-27. Review status: criteria provided, single submitter. Criteria: ACGS Guidelines, 2013. Collection method: clinical testing. Allele origin: germline. Affected: yes. Study: VKGL Data-share Consensus.

Eurofins Ntd Llc (ga)
Classification: Uncertain significance. Last evaluated: 2015-03-04. Review status: criteria provided, single submitter. Criteria: EGL Classification Definitions 2015. Collection method: clinical testing. Allele origin: germline. Observed: 1 variant allele, 1 heterozygote.

PreventionGenetics, part of Exact Sciences
Classification: Likely benign for SPTBN2-related condition. Last evaluated: 2024-06-02. Review status: no assertion criteria provided. Collection method: clinical testing. Allele origin: germline. Not counted in ClinVar's aggregate classification.
Comment: This variant is classified as likely benign based on ACMG/AMP sequence variant interpretation guidelines (Richards et al. 2015 PMID: 25741868, with internal and published modifications).

Diagnostic Laboratory, Department of Genetics, University Medical Center Groningen
Classification: Likely benign for Spinocerebellar ataxia type 5. Review status: no assertion criteria provided. Collection method: clinical testing. Allele origin: germline. Affected: yes. Study: VKGL Data-share Consensus. Not counted in ClinVar's aggregate classification.

Dr. Peter K. Rogan Lab, Western University
No classification provided (evidence only). Condition: Uterine carcinosarcoma. Review status: no classification provided. Collection method: in vitro. Allele origin: not applicable. Functional consequence: retained intron. Not counted in ClinVar's aggregate classification.

NM_006946.4(SPTBN2):c.157+5G>A

Gene: SPTBN2 (spectrin beta, non-erythrocytic 2; minus strand). Cytogenetic location: 11q13.2.
Variant type: single nucleotide variant.
Coding change: c.157+5G>A on transcript NM_006946.4 (MANE Select); 5 bases into the intron after coding-DNA position 157, G replaced by A.
Molecular consequence: intron variant.
Genome position (GRCh38, 1-based): chr11:66,721,079, C>T on the plus strand (G>A on the coding strand, the complement: SPTBN2 is on the minus strand). VCF-style: chr11-66721079-C-T. GRCh37 (hg19) VCF-style: chr11-66488550-C-T.
Identifiers: ClinVar variation 195271 (VCV000195271.47), dbSNP rs150159444, ClinGen allele CA241619.